The following is an entry in ClinVar:

NM_006346.4(PIBF1):c.1871A>G (p.Gln624Arg)

Gene: PIBF1 (progesterone immunomodulatory binding factor 1; plus strand). Cytogenetic location: 13q22.1.
Variant type: single nucleotide variant.
Coding change: c.1871A>G on transcript NM_006346.4 (MANE Select); coding-DNA position 1871, A replaced by G.
Protein change: p.Gln624Arg; replaces glutamine 624 with arginine.
Molecular consequence: missense variant. On other transcripts: non-coding transcript variant (2).
Genome position (GRCh38, 1-based): chr13:72,965,311, A>G. VCF-style: chr13-72965311-A-G. GRCh37 (hg19) VCF-style: chr13-73539449-A-G.
Other names: c.1958A>G, p.Gln653Arg (NM_001349655.2); short protein forms Q624R, Q653R.
Identifiers: ClinVar variation 3899708 (VCV003899708.1).

ClinVar aggregate classification (germline): Uncertain significance (1 of 4 stars; one submission).

Submission:

GeneDx
Classification: Uncertain significance. Last evaluated: 2024-11-15. Review status: criteria provided, single submitter. Criteria: GeneDx Variant Classification Process June 2021. Collection method: clinical testing. Allele origin: germline. Affected: yes.
Comment: Not observed at significant frequency in large population cohorts (gnomAD); In silico analysis supports that this missense variant has a deleterious effect on protein structure/function; Has not been previously published as pathogenic or benign to our knowledge